The following is an entry in ClinVar:

NM_002180.3(IGHMBP2):c.322C>T (p.Arg108Trp)

Gene: IGHMBP2 (immunoglobulin mu DNA binding protein 2; plus strand). Cytogenetic location: 11q13.3.
Variant type: single nucleotide variant.
Coding change: c.322C>T on transcript NM_002180.3 (MANE Select); coding-DNA position 322, C replaced by T.
Protein change: p.Arg108Trp; replaces arginine 108 with tryptophan.
Molecular consequence: missense variant.
Genome position (GRCh38, 1-based): chr11:68,908,210, C>T. VCF-style: chr11-68908210-C-T. GRCh37 (hg19) VCF-style: chr11-68675678-C-T.
Other names: short protein forms R108W.
Identifiers: ClinVar variation 580556 (VCV000580556.9), dbSNP rs750026880, ClinGen allele CA6153261.

ClinVar aggregate classification (germline): Uncertain significance. Review status: criteria provided, multiple submitters, no conflicts (2 of 4 stars). 2 submissions from 2 submitters: Uncertain significance (2). Last evaluated 2025-08-08.

Conditions:
Charcot-Marie-Tooth disease axonal type 2S. Also called: CHARCOT-MARIE-TOOTH DISEASE, AXONAL, AUTOSOMAL RECESSIVE, TYPE 2S; CHARCOT-MARIE-TOOTH NEUROPATHY, TYPE 2S. Identifiers: Orphanet 443073, MedGen C4015349, MONDO:0014511, OMIM 616155.
Autosomal recessive distal spinal muscular atrophy 1. Also called: HMN VI; NEURONOPATHY, SEVERE INFANTILE AXONAL, WITH RESPIRATORY FAILURE; SEVERE INFANTILE AXONAL NEUROPATHY WITH RESPIRATORY FAILURE; NEURONOPATHY, DISTAL HEREDITARY MOTOR, HARDING TYPE VI; NEUROPATHY, DISTAL HEREDITARY MOTOR, AUTOSOMAL RECESSIVE 1; SPINAL MUSCULAR ATROPHY, DIAPHRAGMATIC. Identifiers: Orphanet 98920, MedGen C1858517, MONDO:0011436, OMIM 604320.
Inborn genetic diseases. Identifiers: MedGen C0950123, MeSH D030342.

Allele frequency attached by ClinVar (database versions not stated): ExAC 0.00001; gnomAD 0.00001; gnomAD exomes 0.00002; TOPMed 0.00002.
gnomAD v4.1: 13 of 1,613,888 alleles (0.00081%); highest among the groups gnomAD compares: East Asian, 0.0045%; no homozygotes.

Submissions (2):

Ambry Genetics
Classification: Uncertain significance for Inborn genetic diseases. Last evaluated: 2025-08-08. Review status: criteria provided, single submitter. Criteria: Ambry Variant Classification Scheme 2023. Collection method: clinical testing. Allele origin: germline.

Labcorp Genetics (formerly Invitae), Labcorp
Classification: Uncertain significance for Autosomal recessive distal spinal muscular atrophy 1; Charcot-Marie-Tooth disease axonal type 2S. Last evaluated: 2021-08-24. Review status: criteria provided, single submitter. Criteria: Invitae Variant Classification Sherloc (09022015). Collection method: clinical testing. Allele origin: germline.
Comment: This sequence change replaces arginine with tryptophan at codon 108 of the IGHMBP2 protein (p.Arg108Trp). The arginine residue is moderately conserved and there is a moderate physicochemical difference between arginine and tryptophan. This variant is present in population databases (rs750026880, ExAC 0.006%). This variant has not been reported in the literature in individuals affected with IGHMBP2-related conditions. Algorithms developed to predict the effect of missense changes on protein structure and function are either unavailable or do not agree on the potential impact of this missense change (SIFT: "Deleterious"; PolyPhen-2: "Probably Damaging"; Align-GVGD: "Class C0"). In summary, the available evidence is currently insufficient to determine the role of this variant in disease. Therefore, it has been classified as a Variant of Uncertain Significance.